The following is an entry in ClinVar:

ClinVar aggregate classification (germline): Pathogenic. Review status: criteria provided, multiple submitters, no conflicts (2 of 4 stars). 4 submissions from 4 submitters: Pathogenic (3). 1 of the submissions does not count toward it. Last evaluated 2026-03-28.

Conditions:
USP9X-related disorder. Also called: USP9X-related condition.
Intellectual developmental disorder, X-linked 99, syndromic, female-restricted. Also called: Intellectual disability, X-linked 99, syndromic, female-restricted. Identifiers: MedGen C4225416, MONDO:0010502, OMIM 300968.

Submissions (4):

GeneDx
Classification: Pathogenic. Last evaluated: 2026-03-28. Review status: criteria provided, single submitter. Criteria: GeneDx Variant Classification Process June 2021. Collection method: clinical testing. Allele origin: germline.
Comment: Frameshift variant predicted to result in protein truncation or nonsense mediated decay in a gene for which loss of function is a known mechanism of disease; Not observed at significant frequency in large population cohorts (gnomAD); This variant is associated with the following publications: (PMID: 33057194, 37010288, 27535533, 35904974)

Equipe Genetique des Anomalies du Developpement, Université de Bourgogne
Classification: Pathogenic for Intellectual developmental disorder, X-linked 99, syndromic, female-restricted. Last evaluated: 2022-08-03. Review status: criteria provided, single submitter. Criteria: ACMG Guidelines, 2015. Collection method: clinical testing. Allele origin: de novo. Inheritance: X-linked inheritance. Affected: yes.

Daryl Scott Lab, Baylor College of Medicine
Classification: Pathogenic for Intellectual developmental disorder, X-linked 99, syndromic, female-restricted. Last evaluated: 2022-01-27. Review status: criteria provided, single submitter. Criteria: ACMG Guidelines, 2015. Collection method: clinical testing. Allele origin: de novo. Affected: yes. Observed: 1 variant allele, 1 heterozygote.

PreventionGenetics, part of Exact Sciences
Classification: Pathogenic for USP9X-related condition. Last evaluated: 2024-07-03. Review status: no assertion criteria provided. Collection method: clinical testing. Allele origin: germline. Not counted in ClinVar's aggregate classification.
Comment: The USP9X c.1812_1815delTCAA variant is predicted to result in a frameshift and premature protein termination (p.Gln605Phefs*7). This variant has previously been reported in an individual with congenital diaphragmatic hernia, abnormal cerebral white matter, and global developmental delay (Hardcastle et al. 2023. PubMed ID: 35904974). This variant has not been reported in a large population database, indicating this variant is rare. Frameshift variants in USP9X are expected to be pathogenic. This variant is interpreted as pathogenic.

Literature cited by the submitters: PubMed 35904974 (cited by Daryl Scott Lab, Baylor College of Medicine).

NM_001039591.3(USP9X):c.1812_1815del (p.Gln605fs)

Gene: USP9X (ubiquitin specific peptidase 9 X-linked; plus strand). Cytogenetic location: Xp11.4.
Variant type: Microsatellite.
Coding change: c.1812_1815del on transcript NM_001039591.3 (MANE Select); coding-DNA positions 1812 to 1815, 4 bases deleted (TCAA; older notation c.1812_1815delTCAA).
Protein change: p.Gln605fs; shifts the reading frame from glutamine 605.
Molecular consequence: frameshift variant.
Genome position (GRCh38, 1-based): chrX:41,152,996-41,152,999, TCAA deleted; deleting any 4 consecutive bases within chrX:41,152,990-41,152,999 gives the same sequence; the c. name uses the placement nearest the transcript's 3' end. VCF-style (leftmost placement, unchanged base first): chrX-41152989-TAATC-T. GRCh37 (hg19) VCF-style: chrX-41012242-TAATC-T.
Other names: c.1812_1815del, p.Gln605fs (NM_001039590.3); c.1812_1815del (NM_001039590.2); c.1812_1815delTCAA (NM_001039590.2, NM_001039590.3); short protein forms Q605fs.
Identifiers: ClinVar variation 1338821 (VCV001338821.5), dbSNP rs2147080697, ClinGen allele CA2580616991.